The following is an entry in ClinVar:

NM_000095.3(COMP):c.1358A>C (p.Asn453Thr)

Gene: COMP (cartilage oligomeric matrix protein; minus strand). Cytogenetic location: 19p13.11.
Variant type: single nucleotide variant.
Coding change: c.1358A>C on transcript NM_000095.3 (MANE Select); coding-DNA position 1358, A replaced by C.
Protein change: p.Asn453Thr; replaces asparagine 453 with threonine.
Molecular consequence: missense variant.
Genome position (GRCh38, 1-based): chr19:18,786,096, T>G on the plus strand (A>C on the coding strand, the complement: COMP is on the minus strand). VCF-style: chr19-18786096-T-G. GRCh37 (hg19) VCF-style: chr19-18896906-T-G.
Other names: short protein forms N453T.
Identifiers: ClinVar variation 2004976 (VCV002004976.4), dbSNP rs28936668, ClinGen allele CA404884957.
Genomic context (GRCh38, chr19:18,786,096, plus strand): 5'-TCGTCGTCGTCGTCGCAGGCATCACCCTGGCCATCGTGGTCTGAGTCCTCCTGGGCACTG[T>G]TAGGCACCGTGGGACAGTTGTCCCGAGAGTCCTGATGTCCGTCTCCATCCCTAGAGTGGA-3'
Protein context (NP_000086.2, residues 443-463): DSRDNCPTVP[Asn453Thr]SAQEDSDHDG

ClinVar aggregate classification (germline): Likely pathogenic (1 of 4 stars; one submission).

Submission:

Labcorp Genetics (formerly Invitae), Labcorp
Classification: Likely pathogenic. Last evaluated: 2022-06-12. Review status: criteria provided, single submitter. Criteria: Invitae Variant Classification Sherloc (09022015). Collection method: clinical testing. Allele origin: germline.
Comment: In summary, the currently available evidence indicates that the variant is pathogenic, but additional data are needed to prove that conclusively. Therefore, this variant has been classified as Likely Pathogenic. This variant disrupts the p.Asn453 amino acid residue in COMP. Other variant(s) that disrupt this residue have been determined to be pathogenic (PMID: 9463320, 24595329; Invitae). This suggests that this residue is clinically significant, and that variants that disrupt this residue are likely to be disease-causing. Advanced modeling of protein sequence and biophysical properties (such as structural, functional, and spatial information, amino acid conservation, physicochemical variation, residue mobility, and thermodynamic stability) performed at Invitae indicates that this missense variant is expected to disrupt COMP protein function. This variant has not been reported in the literature in individuals affected with COMP-related conditions. This variant is not present in population databases (gnomAD no frequency). This sequence change replaces asparagine, which is neutral and polar, with threonine, which is neutral and polar, at codon 453 of the COMP protein (p.Asn453Thr).

Literature cited by the submitters: PubMed 9463320; PubMed 24595329.